The following is an entry in ClinVar:

NM_001011.4(RPS7):c.147+6C>T

Gene: RPS7 (ribosomal protein S7; plus strand). Cytogenetic location: 2p25.3.
Variant type: single nucleotide variant.
Coding change: c.147+6C>T on transcript NM_001011.4 (MANE Select); 6 bases into the intron after coding-DNA position 147, C replaced by T.
Molecular consequence: intron variant.
Genome position (GRCh38, 1-based): chr2:3,575,894, C>T. VCF-style: chr2-3575894-C-T. GRCh37 (hg19) VCF-style: chr2-3623484-C-T.
Identifiers: ClinVar variation 1447728 (VCV001447728.7), dbSNP rs760987417, ClinGen allele CA1516569.

ClinVar aggregate classification (germline): Conflicting classifications of pathogenicity. Review status: criteria provided, conflicting classifications (1 of 4 stars). 2 submissions from 2 submitters: Uncertain significance (1); Likely benign (1). Last evaluated 2022-02-07.

Conditions:
Diamond-Blackfan anemia 8 (DBA8). Also called: RPS7-Related Diamond-Blackfan Anemia. Identifiers: Orphanet 124, MedGen C2675511, MONDO:0012939, OMIM 612563.

Allele frequency attached by ClinVar (database versions not stated): TOPMed below 0.00001; ExAC 0.00002.
gnomAD v4.1: 17 of 1,600,166 alleles (0.0011%); highest among the groups gnomAD compares: Non-Finnish European, 0.0015%; no homozygotes.

Submissions (2):

Blueprint Genetics
Classification: Likely benign. Last evaluated: 2022-02-07. Review status: criteria provided, single submitter. Criteria: ACMG Guidelines, 2015. Collection method: clinical testing. Allele origin: germline.

Labcorp Genetics (formerly Invitae), Labcorp
Classification: Uncertain significance for Diamond-Blackfan anemia 8. Last evaluated: 2021-08-12. Review status: criteria provided, single submitter. Criteria: Invitae Variant Classification Sherloc (09022015). Collection method: clinical testing. Allele origin: germline.
Comment: In summary, the available evidence is currently insufficient to determine the role of this variant in disease. Therefore, it has been classified as a Variant of Uncertain Significance. Variants that disrupt the consensus splice site are a relatively common cause of aberrant splicing (PMID: 17576681, 9536098). Algorithms developed to predict the effect of sequence changes on RNA splicing suggest that this variant is not likely to affect RNA splicing. This variant has not been reported in the literature in individuals affected with RPS7-related conditions. This variant is present in population databases (rs760987417, ExAC 0.005%). This sequence change falls in intron 3 of the RPS7 gene. It does not directly change the encoded amino acid sequence of the RPS7 protein. It affects a nucleotide within the consensus splice site of the intron.

Literature cited by the submitters: PubMed 17576681 (cited by Labcorp Genetics (formerly Invitae), Labcorp); PubMed 9536098 (cited by Labcorp Genetics (formerly Invitae), Labcorp).